The following is an entry in ClinVar:

ClinVar aggregate classification (germline): Uncertain significance (1 of 4 stars; one submission).

Conditions:
Ehlers-Danlos syndrome, kyphoscoliotic type 1 (EDSKSCL1). Also called: EHLERS-DANLOS SYNDROME, TYPE VIA; PLOD1-Related Kyphoscoliotic Ehlers-Danlos Syndrome; Ehlers-Danlos syndrome, hydroxylysine-deficient; EHLERS-DANLOS SYNDROME, OCULAR-SCOLIOTIC TYPE. Identifiers: Orphanet 1900, MedGen C0268342, MONDO:0016002, OMIM 225400. Disease mechanism: loss of function.

Submission:

Labcorp Genetics (formerly Invitae), Labcorp
Classification: Uncertain significance for Ehlers-Danlos syndrome, kyphoscoliotic type 1. Last evaluated: 2021-09-24. Review status: criteria provided, single submitter. Criteria: Invitae Variant Classification Sherloc (09022015). Collection method: clinical testing. Allele origin: germline.
Comment: This sequence change replaces aspartic acid with glycine at codon 491 of the PLOD1 protein (p.Asp491Gly). The aspartic acid residue is weakly conserved and there is a moderate physicochemical difference between aspartic acid and glycine. This variant is not present in population databases (ExAC no frequency). This variant has not been reported in the literature in individuals with PLOD1-related conditions. Algorithms developed to predict the effect of missense changes on protein structure and function (SIFT, PolyPhen-2, Align-GVGD) all suggest that this variant is likely to be tolerated, but these predictions have not been confirmed by published functional studies and their clinical significance is uncertain. Algorithms developed to predict the effect of sequence changes on RNA splicing suggest that this variant may create or strengthen a splice site, but this prediction has not been confirmed by published transcriptional studies. In summary, the available evidence is currently insufficient to determine the role of this variant in disease. Therefore, it has been classified as a Variant of Uncertain Significance.

NM_000302.4(PLOD1):c.1472A>G (p.Asp491Gly)

Gene: PLOD1 (procollagen-lysine,2-oxoglutarate 5-dioxygenase 1; plus strand). Cytogenetic location: 1p36.22.
Variant type: single nucleotide variant.
Coding change: c.1472A>G on transcript NM_000302.4 (MANE Select); coding-DNA position 1472, A replaced by G.
Protein change: p.Asp491Gly; replaces aspartic acid 491 with glycine.
Molecular consequence: missense variant.
Genome position (GRCh38, 1-based): chr1:11,965,481, A>G. VCF-style: chr1-11965481-A-G. GRCh37 (hg19) VCF-style: chr1-12025538-A-G.
Other names: c.1613A>G, p.Asp538Gly (NM_001316320.2); short protein forms D538G, D491G.
Identifiers: ClinVar variation 1360323 (VCV001360323.5), dbSNP rs2100759169, ClinGen allele CA338444330.